The following is an entry in ClinVar:

ClinVar aggregate classification (germline): Uncertain significance. Review status: criteria provided, multiple submitters, no conflicts (2 of 4 stars). 2 submissions from 2 submitters: Uncertain significance (2). Last evaluated 2025-06-16.

Conditions:
Catecholaminergic polymorphic ventricular tachycardia 1. Also called: RYR2-Related Catecholaminergic Polymorphic Ventricular Tachycardia; VENTRICULAR TACHYCARDIA, STRESS-INDUCED POLYMORPHIC 1; VENTRICULAR TACHYCARDIA, CATECHOLAMINERGIC POLYMORPHIC, 1, WITH OR WITHOUT ATRIAL DYSFUNCTION AND/OR DILATED CARDIOMYOPATHY. Identifiers: Orphanet 3286, MedGen C1631597, MONDO:0011484, OMIM 604772.
Cardiovascular phenotype. Identifiers: MedGen CN230736.

Submissions (2):

Labcorp Genetics (formerly Invitae), Labcorp
Classification: Uncertain significance for Catecholaminergic polymorphic ventricular tachycardia 1. Last evaluated: 2025-06-16. Review status: criteria provided, single submitter. Criteria: Invitae Variant Classification Sherloc (09022015). Collection method: clinical testing. Allele origin: germline.
Comment: This sequence change replaces threonine, which is neutral and polar, with arginine, which is basic and polar, at codon 4535 of the RYR2 protein (p.Thr4535Arg). This variant is not present in population databases (gnomAD no frequency). This variant has not been reported in the literature in individuals affected with RYR2-related conditions. ClinVar contains an entry for this variant (Variation ID: 1511802). Invitae Evidence Modeling of protein sequence and biophysical properties (such as structural, functional, and spatial information, amino acid conservation, physicochemical variation, residue mobility, and thermodynamic stability) indicates that this missense variant is not expected to disrupt RYR2 protein function with a negative predictive value of 95%. In summary, the available evidence is currently insufficient to determine the role of this variant in disease. Therefore, it has been classified as a Variant of Uncertain Significance.

Ambry Genetics
Classification: Uncertain significance for Cardiovascular phenotype. Last evaluated: 2024-02-01. Review status: criteria provided, single submitter. Criteria: Ambry Variant Classification Scheme 2023. Collection method: clinical testing. Allele origin: germline.
Comment: The p.T4535R variant (also known as c.13604C>G), located in coding exon 94 of the RYR2 gene, results from a C to G substitution at nucleotide position 13604. The threonine at codon 4535 is replaced by arginine, an amino acid with similar properties. This alteration has been reported in a whole exome sequencing cohort and a sudden cardiac arrest cohort (Landstrom AP et al. Circ Arrhythm Electrophysiol, 2017 Apr;10:; Giudicessi JR et al. Int J Cardiol, 2018 Nov;270:214-220). This amino acid position is poorly conserved in available vertebrate species. In addition, this alteration is predicted to be tolerated by in silico analysis. Based on the available evidence, the clinical significance of this alteration remains unclear.

Literature cited by the submitters: PubMed 28404607 (cited by Ambry Genetics); PubMed 29884292 (cited by Ambry Genetics).

NM_001035.3(RYR2):c.13604C>G (p.Thr4535Arg)

Gene: RYR2 (ryanodine receptor 2; plus strand). Cytogenetic location: 1q43.
Variant type: single nucleotide variant.
Coding change: c.13604C>G on transcript NM_001035.3 (MANE Select); coding-DNA position 13604, C replaced by G.
Protein change: p.Thr4535Arg; replaces threonine 4535 with arginine.
Molecular consequence: missense variant.
Genome position (GRCh38, 1-based): chr1:237,792,145, C>G. VCF-style: chr1-237792145-C-G. GRCh37 (hg19) VCF-style: chr1-237955445-C-G.
Other names: c.13604C>G (NM_001035.2); short protein forms T4535R.
Identifiers: ClinVar variation 1511802 (VCV001511802.10), dbSNP rs756839134, ClinGen allele CA345417336.
Genomic context (GRCh38, chr1:237,792,145, plus strand): 5'-CTTTAAATGCTTTGAATCAGGTCTCCACTTCTTCTGTGGTTGAAGGAAAGGAGCTCCCCA[C>G]GAGAAGTTCAAGTGAAAATGCCAAAGTGACAAGCCTGGACAGCAGCTCCCATAGAATCAT-3'
Protein context (NP_001026.2, residues 4525-4545): SSVVEGKELP[Thr4535Arg]RSSSENAKVT